The following is an entry in ClinVar:

NM_001458.5(FLNC):c.7841_7842del (p.Val2614fs)

Genes: FLNC (filamin C; plus strand), FLNC-AS1 (FLNC antisense RNA 1; minus strand). Cytogenetic location: 7q32.1.
Variant type: Microsatellite.
Coding change: c.7841_7842del on transcript NM_001458.5 (MANE Select); coding-DNA positions 7841 to 7842, 2 bases deleted (TG; older notation c.7841_7842delTG).
Protein change: p.Val2614fs; shifts the reading frame from valine 2614.
Molecular consequence: frameshift variant.
Genome position (GRCh38, 1-based): chr7:128,858,068-128,858,069, TG deleted; deleting any 2 consecutive bases within chr7:128,858,066-128,858,069 gives the same sequence; the c. name uses the placement nearest the transcript's 3' end. VCF-style (leftmost placement, unchanged base first): chr7-128858065-CTG-C. GRCh37 (hg19) VCF-style: chr7-128498119-CTG-C.
Other names: c.7841_7842delTG (NM_001458.4); c.7742_7743del, p.Val2581fs (NM_001127487.2); short protein forms V2614fs, V2581fs.
Identifiers: ClinVar variation 643452 (VCV000643452.17), dbSNP rs1554402003, ClinGen allele CA369220139.

ClinVar aggregate classification (germline): Pathogenic/Likely pathogenic. Review status: criteria provided, multiple submitters, no conflicts (2 of 4 stars). 3 submissions from 3 submitters: Pathogenic (1); Likely pathogenic (2). Last evaluated 2025-11-24.

Conditions:
Distal myopathy with posterior leg and anterior hand involvement. Also called: WILLIAMS DISTAL MYOPATHY. Identifiers: Orphanet 63273, MedGen C3279722, MONDO:0013550, OMIM 614065.
Myofibrillar myopathy 5. Also called: FILAMINOPATHY, AUTOSOMAL DOMINANT; Filaminopathy (type). Identifiers: Orphanet 171445, MedGen C1836050, MONDO:0012289, OMIM 609524.
Hypertrophic cardiomyopathy 26. Also called: Cardiomyopathy, familial hypertrophic, 26. Identifiers: Orphanet 75249, MedGen C4310749, MONDO:0014883, OMIM 617047.

Submissions (3):

Labcorp Genetics (formerly Invitae), Labcorp
Classification: Pathogenic for Distal myopathy with posterior leg and anterior hand involvement; Myofibrillar myopathy 5; Hypertrophic cardiomyopathy 26. Last evaluated: 2025-11-24. Review status: criteria provided, single submitter. Criteria: Invitae Variant Classification Sherloc (09022015). Collection method: clinical testing. Allele origin: germline.
Comment: This sequence change creates a premature translational stop signal (p.Val2614Aspfs*66) in the FLNC gene. While this is not anticipated to result in nonsense mediated decay, it is expected to disrupt the last 112 amino acid(s) of the FLNC protein. This variant is not present in population databases (gnomAD no frequency). This variant has not been reported in the literature in individuals affected with FLNC-related conditions. ClinVar contains an entry for this variant (Variation ID: 643452). Experimental studies and prediction algorithms are not available or were not evaluated, and the functional significance of this variant is currently unknown. This variant disrupts a region of the FLNC protein in which other variant(s) (p.Trp2710*) have been determined to be pathogenic (PMID: 15929027, 22961544, 26472074, 26969713). This suggests that this is a clinically significant region of the protein, and that variants that disrupt it are likely to be disease-causing. For these reasons, this variant has been classified as Pathogenic.

GeneDx
Classification: Likely pathogenic. Last evaluated: 2023-10-06. Review status: criteria provided, single submitter. Criteria: GeneDx Variant Classification Process June 2021. Collection method: clinical testing. Allele origin: germline. Affected: yes.
Comment: Frameshift variant predicted to result in protein truncation, as the last 112 amino acids are replaced with 65 different amino acids, and other loss-of-function variants have been reported downstream in the Human Gene Mutation Database (HGMD); Not observed at significant frequency in large population cohorts (gnomAD); Has not been previously published as pathogenic or benign to our knowledge

Revvity Omics, Revvity
Classification: Likely pathogenic. Last evaluated: 2022-01-31. Review status: criteria provided, single submitter. Criteria: ACMG Guidelines, 2015. Collection method: clinical testing. Allele origin: germline.

Literature cited by the submitters: PubMed 15929027 (cited by Labcorp Genetics (formerly Invitae), Labcorp); PubMed 22961544 (cited by Labcorp Genetics (formerly Invitae), Labcorp); PubMed 26472074 (cited by Labcorp Genetics (formerly Invitae), Labcorp); PubMed 26969713 (cited by Labcorp Genetics (formerly Invitae), Labcorp).